The following is an entry in ClinVar:

NM_206933.4(USH2A):c.8253C>T (p.Asn2751=)

Gene: USH2A (usherin; minus strand). Cytogenetic location: 1q41.
Variant type: single nucleotide variant.
Coding change: c.8253C>T on transcript NM_206933.4 (MANE Select); coding-DNA position 8253, C replaced by T.
Protein change: p.Asn2751=; no amino-acid change (asparagine 2751 retained).
Molecular consequence: synonymous variant.
Genome position (GRCh38, 1-based): chr1:215,879,069, G>A on the plus strand (C>T on the coding strand, the complement: USH2A is on the minus strand). VCF-style: chr1-215879069-G-A. GRCh37 (hg19) VCF-style: chr1-216052411-G-A.
Identifiers: ClinVar variation 763344 (VCV000763344.25), dbSNP rs368877266, ClinGen allele CA1394635.
Genomic context (GRCh38, chr1:215,879,069, plus strand): 5'-CACATTGGTTAAAGTGATGTGAGGGTCAGGCATGTGAATCTCATAGCTAAGTATGTCTCC[G>A]TTCTGGATGAGTGGGGGTTTCCAAGTGACCTGAAATGAAAGATAAACTTAGAATCAGTGT-3'
Protein context (NP_996816.3, residues 2741-2761): QVTWKPPLIQ[Asn2751=]GDILSYEIHM

ClinVar aggregate classification (germline): Likely benign. Review status: criteria provided, multiple submitters, no conflicts (2 of 4 stars). 3 submissions from 3 submitters: Likely benign (3). Last evaluated 2026-04-01.

Allele frequency attached by ClinVar (database versions not stated): gnomAD exomes 0.00001 and 0.00004; gnomAD 0.00002 and 0.00003; TOPMed 0.00002; ExAC 0.00003; ESP Exome Variant Server 0.00008.
gnomAD v4.1: 25 of 1,613,816 alleles (0.0015%); highest among the groups gnomAD compares: Admixed American, 0.017%; no homozygotes.

Submissions (3):

CeGaT Center for Human Genetics Tuebingen
Classification: Likely benign. Last evaluated: 2026-04-01. Review status: criteria provided, single submitter. Criteria: CeGaT Center For Human Genetics Tuebingen Variant Classification Criteria Version 2. Collection method: clinical testing. Allele origin: germline. Affected: yes. Observed: 1 variant allele.
Comment: USH2A: BP4, BP7

Labcorp Genetics (formerly Invitae), Labcorp
Classification: Likely benign. Last evaluated: 2025-02-17. Review status: criteria provided, single submitter. Criteria: Invitae Variant Classification Sherloc (09022015). Collection method: clinical testing. Allele origin: germline.

Blueprint Genetics
Classification: Likely benign. Last evaluated: 2018-02-13. Review status: criteria provided, single submitter. Criteria: ACMG Guidelines, 2015. Collection method: clinical testing. Allele origin: germline.